The following is an entry in ClinVar:

NM_002224.4(ITPR3):c.438C>T (p.Asn146=)

Gene: ITPR3 (inositol 1,4,5-trisphosphate receptor type 3; plus strand). Cytogenetic location: 6p21.31.
Variant type: single nucleotide variant.
Coding change: c.438C>T on transcript NM_002224.4 (MANE Select); coding-DNA position 438, C replaced by T.
Protein change: p.Asn146=; no amino-acid change (asparagine 146 retained).
Molecular consequence: synonymous variant.
Genome position (GRCh38, 1-based): chr6:33,658,738, C>T. VCF-style: chr6-33658738-C-T. GRCh37 (hg19) VCF-style: chr6-33626515-C-T.
Identifiers: ClinVar variation 3041108 (VCV003041108.2), dbSNP rs2296344, ClinGen allele CA3759923.

ClinVar aggregate classification (germline): Likely benign (0 of 4 stars; one submission).

Conditions:
ITPR3-related disorder. Also called: ITPR3-related condition.

Allele frequency attached by ClinVar (database versions not stated): TOPMed 0.00007; ESP Exome Variant Server 0.00008; gnomAD 0.00008; gnomAD exomes 0.00016; ExAC 0.00026; 1000 Genomes Project 30x 0.00062; 1000 Genomes Project 0.00080.
gnomAD v4.1: 242 of 1,614,198 alleles (0.015%); highest among the groups gnomAD compares: East Asian, 0.46%; 1 homozygote.

Submission:

PreventionGenetics, part of Exact Sciences
Classification: Likely benign for ITPR3-related condition. Last evaluated: 2019-09-26. Review status: no assertion criteria provided. Collection method: clinical testing. Allele origin: germline.
Comment: This variant is classified as likely benign based on ACMG/AMP sequence variant interpretation guidelines (Richards et al. 2015 PMID: 25741868, with internal and published modifications).